The following is an entry in ClinVar:

NM_001038.6(SCNN1A):c.1427G>A (p.Arg476Gln)

Gene: SCNN1A (sodium channel epithelial 1 subunit alpha; minus strand). Cytogenetic location: 12p13.31.
Variant type: single nucleotide variant.
Coding change: c.1427G>A on transcript NM_001038.6 (MANE Select); coding-DNA position 1427, G replaced by A.
Protein change: p.Arg476Gln; replaces arginine 476 with glutamine.
Molecular consequence: missense variant.
Genome position (GRCh38, 1-based): chr12:6,349,339, C>T on the plus strand (G>A on the coding strand, the complement: SCNN1A is on the minus strand). VCF-style: chr12-6349339-C-T. GRCh37 (hg19) VCF-style: chr12-6458505-C-T.
Other names: c.1427G>A (NM_001038.5); c.1496G>A, p.Arg499Gln (NM_001159575.2); c.1604G>A, p.Arg535Gln (NM_001159576.2); short protein forms R476Q, R535Q, R499Q.
Identifiers: ClinVar variation 598965 (VCV000598965.11), dbSNP rs72657556, ClinGen allele CA6405875.

ClinVar aggregate classification (germline): Conflicting classifications of pathogenicity. Review status: criteria provided, conflicting classifications (1 of 4 stars). 4 submissions from 4 submitters: Uncertain significance (2); Likely benign (2). Last evaluated 2025-12-08.

Conditions:
SCNN1A-related disorder. Also called: SCNN1A-related condition; SCNN1A-related disorders.

Allele frequency attached by ClinVar (database versions not stated): gnomAD exomes 0.00013 and 0.00032; ExAC 0.00053; ESP Exome Variant Server 0.00092; gnomAD 0.00116 and 0.00118; TOPMed 0.00120; 1000 Genomes Project 30x 0.00234; 1000 Genomes Project 0.00240.
gnomAD v4.1: 372 of 1,613,034 alleles (0.023%); highest among the groups gnomAD compares: African/African-American, 0.41%; 1 homozygote.

Submissions (4):

Labcorp Genetics (formerly Invitae), Labcorp
Classification: Likely benign. Last evaluated: 2025-12-08. Review status: criteria provided, single submitter. Criteria: Invitae Variant Classification Sherloc (09022015). Collection method: clinical testing. Allele origin: germline.

PreventionGenetics, part of Exact Sciences
Classification: Likely benign for SCNN1A-related condition. Last evaluated: 2025-01-08. Review status: criteria provided, single submitter. Criteria: ACMG Guidelines, 2015. Collection method: clinical testing. Allele origin: germline.
Comment: This variant is classified as likely benign based on ACMG/AMP sequence variant interpretation guidelines (Richards et al. 2015 PMID: 25741868, with internal and published modifications).

Center for Personalized Medicine, Children's Hospital Los Angeles
Classification: Uncertain significance. Last evaluated: 2018-11-19. Review status: criteria provided, single submitter. Criteria: ACMG Guidelines, 2015. Collection method: clinical testing. Allele origin: germline. Affected: yes.

Breakthrough Genomics
Classification: Uncertain significance. Review status: criteria provided, single submitter. Criteria: ACMG Guidelines, 2015. Collection method: not provided. Allele origin: germline. Inheritance: Autosomal recessive inheritance. Affected: yes.